The following is an entry in ClinVar:

NM_020911.2(PLXNA4):c.3567G>A (p.Pro1189=)

Gene: PLXNA4 (plexin A4; minus strand). Cytogenetic location: 7q32.3.
Variant type: single nucleotide variant.
Coding change: c.3567G>A on transcript NM_020911.2 (MANE Select); coding-DNA position 3567, G replaced by A.
Protein change: p.Pro1189=; no amino-acid change (proline 1189 retained).
Molecular consequence: synonymous variant.
Genome position (GRCh38, 1-based): chr7:132,180,658, C>T on the plus strand (G>A on the coding strand, the complement: PLXNA4 is on the minus strand). VCF-style: chr7-132180658-C-T. GRCh37 (hg19) VCF-style: chr7-131865417-C-T.
Other names: c.3567G>A, p.Pro1189= (NM_001393897.1).
Identifiers: ClinVar variation 720132 (VCV000720132.7), dbSNP rs144287352, ClinGen allele CA4489457.
Genomic context (GRCh38, chr7:132,180,658, plus strand): 5'-CCTGCCGATGAGGTTGGGGGACTCGCAGAGCAGCTGGACATCTGACACGGTCACGGTGCA[C>T]GGCTTCTCCCCAACCAGCACAGTGTAGTTCAGCTTCACGTTGCCCCCAGCCACAGGCGGG-3'
Protein context (NP_065962.1, residues 1179-1199): LNYTVLVGEK[Pro1189=]CTVTVSDVQL

ClinVar aggregate classification (germline): Likely benign. Review status: criteria provided, multiple submitters, no conflicts (2 of 4 stars). 3 submissions from 3 submitters: Likely benign (2). 1 of the submissions does not count toward it. Last evaluated 2019-12-31.

Conditions:
PLXNA4-related disorder. Also called: PLXNA4-related condition.

Allele frequency attached by ClinVar (database versions not stated): 1000 Genomes Project 30x 0.00078; 1000 Genomes Project 0.00100; ExAC 0.00107; gnomAD 0.00120 and 0.00123; gnomAD exomes 0.00122 and 0.00176; TOPMed 0.00126; ESP Exome Variant Server 0.00157.
gnomAD v4.1: 2,760 of 1,614,174 alleles (0.17%); highest among the groups gnomAD compares: Non-Finnish European, 0.2%; 2 homozygotes.

Submissions (3):

Labcorp Genetics (formerly Invitae), Labcorp
Classification: Likely benign. Last evaluated: 2019-12-31. Review status: criteria provided, single submitter. Criteria: Invitae Variant Classification Sherloc (09022015). Collection method: clinical testing. Allele origin: germline.

Breakthrough Genomics
Classification: Likely benign. Review status: criteria provided, single submitter. Criteria: ACMG Guidelines, 2015. Collection method: not provided. Allele origin: germline. Inheritance: Unknown mechanism. Affected: yes.

PreventionGenetics, part of Exact Sciences
Classification: Likely benign for PLXNA4-related condition. Last evaluated: 2021-06-15. Review status: no assertion criteria provided. Collection method: clinical testing. Allele origin: germline. Not counted in ClinVar's aggregate classification.
Comment: This variant is classified as likely benign based on ACMG/AMP sequence variant interpretation guidelines (Richards et al. 2015 PMID: 25741868, with internal and published modifications).